The following is an entry in ClinVar:

ClinVar aggregate classification (germline): Likely benign. Review status: criteria provided, multiple submitters, no conflicts (2 of 4 stars). 3 submissions from 3 submitters: Likely benign (3). Last evaluated 2025-12-27.

Allele frequency attached by ClinVar (database versions not stated): 1000 Genomes Project 30x 0.00094; 1000 Genomes Project 0.00100; gnomAD 0.00121; TOPMed 0.00134; ESP Exome Variant Server 0.00169.
gnomAD v4.1: 2,241 of 1,602,410 alleles (0.14%); highest among the groups gnomAD compares: Non-Finnish European, 0.17%; 2 homozygotes.

Submissions (3):

Labcorp Genetics (formerly Invitae), Labcorp
Classification: Likely benign. Last evaluated: 2025-12-27. Review status: criteria provided, single submitter. Criteria: Invitae Variant Classification Sherloc (09022015). Collection method: clinical testing. Allele origin: germline.

Blueprint Genetics
Classification: Likely benign. Last evaluated: 2024-11-18. Review status: criteria provided, single submitter. Criteria: ACMG Guidelines, 2015. Collection method: clinical testing. Allele origin: germline.

CeGaT Center for Human Genetics Tuebingen
Classification: Likely benign. Last evaluated: 2023-06-01. Review status: criteria provided, single submitter. Criteria: CeGaT Center For Human Genetics Tuebingen Variant Classification Criteria Version 2. Collection method: clinical testing. Allele origin: germline. Affected: yes. Observed: 1 variant allele.
Comment: PKD1L1: BP4, BS1

NM_138295.5(PKD1L1):c.399-6A>G

Gene: PKD1L1 (polycystin 1 like 1, transient receptor potential channel interacting; minus strand). Cytogenetic location: 7p12.3.
Variant type: single nucleotide variant.
Coding change: c.399-6A>G on transcript NM_138295.5 (MANE Select); 6 bases into the intron before coding-DNA position 399, A replaced by G.
Molecular consequence: intron variant.
Genome position (GRCh38, 1-based): chr7:47,932,062, T>C on the plus strand (A>G on the coding strand, the complement: PKD1L1 is on the minus strand). VCF-style: chr7-47932062-T-C. GRCh37 (hg19) VCF-style: chr7-47971659-T-C.
Identifiers: ClinVar variation 712069 (VCV000712069.32), dbSNP rs201106567, ClinGen allele CA4254362.